The following is an entry in ClinVar:

NM_001346754.2(PIGW):c.1177A>G (p.Ile393Val)

Genes: MYO19 (myosin XIX; minus strand), PIGW (phosphatidylinositol glycan anchor biosynthesis class W; plus strand). Cytogenetic location: 17q12.
Variant type: single nucleotide variant.
Coding change: c.1177A>G on transcript NM_001346754.2 (MANE Select); coding-DNA position 1177, A replaced by G.
Protein change: p.Ile393Val; replaces isoleucine 393 with valine.
Molecular consequence: missense variant.
Genome position (GRCh38, 1-based): chr17:36,538,278, A>G. VCF-style: chr17-36538278-A-G. GRCh37 (hg19) VCF-style: chr17-34894127-A-G.
Other names: c.1177A>G (NM_178517.3); c.1177A>G, p.Ile393Val (NM_001346755.2, NM_178517.5); short protein forms I393V.
Identifiers: ClinVar variation 1429450 (VCV001429450.9), dbSNP rs546733529, ClinGen allele CA290116656.

ClinVar aggregate classification (germline): Uncertain significance. Review status: criteria provided, multiple submitters, no conflicts (2 of 4 stars). 2 submissions from 2 submitters: Uncertain significance (2). Last evaluated 2024-04-12.

Conditions:
Inborn genetic diseases. Identifiers: MedGen C0950123, MeSH D030342.
Hyperphosphatasia with intellectual disability syndrome 5 (GPIBD11). Also called: GLYCOSYLPHOSPHATIDYLINOSITOL BIOSYNTHESIS DEFECT 11. Identifiers: Orphanet 247262, MedGen C4014958, MONDO:0014457, OMIM 616025.

Allele frequency attached by ClinVar (database versions not stated): gnomAD 0.00001; gnomAD exomes 0.00001 and 0.00002; TOPMed 0.00001; ExAC 0.00003; 1000 Genomes Project 30x 0.00016; 1000 Genomes Project 0.00020.
gnomAD v4.1: 9 of 1,613,402 alleles (0.00056%); highest among the groups gnomAD compares: East Asian, 0.013%; no homozygotes.

Submissions (2):

Ambry Genetics
Classification: Uncertain significance for Inborn genetic diseases. Last evaluated: 2024-04-12. Review status: criteria provided, single submitter. Criteria: Ambry Variant Classification Scheme 2023. Collection method: clinical testing. Allele origin: germline.

Labcorp Genetics (formerly Invitae), Labcorp
Classification: Uncertain significance for Hyperphosphatasia with intellectual disability syndrome 5. Last evaluated: 2023-08-30. Review status: criteria provided, single submitter. Criteria: Invitae Variant Classification Sherloc (09022015). Collection method: clinical testing. Allele origin: germline.
Comment: This variant is present in population databases (rs546733529, gnomAD 0.03%). This sequence change replaces isoleucine, which is neutral and non-polar, with valine, which is neutral and non-polar, at codon 393 of the PIGW protein (p.Ile393Val). This variant has not been reported in the literature in individuals affected with PIGW-related conditions. ClinVar contains an entry for this variant (Variation ID: 1429450). Advanced modeling of protein sequence and biophysical properties (such as structural, functional, and spatial information, amino acid conservation, physicochemical variation, residue mobility, and thermodynamic stability) performed at Invitae indicates that this missense variant is not expected to disrupt PIGW protein function. In summary, the available evidence is currently insufficient to determine the role of this variant in disease. Therefore, it has been classified as a Variant of Uncertain Significance.